The following is an entry in ClinVar:

ClinVar aggregate classification (germline): Uncertain significance (1 of 4 stars; one submission).

Conditions:
TH-deficient dopa-responsive dystonia. Also called: Tyrosine Hydroxylase-Deficient Dopa-Responsive Dystonia; Segawa syndrome, autosomal recessive; DYT-TH. Identifiers: Orphanet 101150, MedGen C2673535, MONDO:0011551, OMIM 605407.

gnomAD v4.1: 3 of 1,612,744 alleles (0.00019%); highest among the groups gnomAD compares: Non-Finnish European, 0.00025%; no homozygotes.

Submission:

Labcorp Genetics (formerly Invitae), Labcorp
Classification: Uncertain significance for TH-deficient dopa-responsive dystonia. Last evaluated: 2022-05-03. Review status: criteria provided, single submitter. Criteria: Invitae Variant Classification Sherloc (09022015). Collection method: clinical testing. Allele origin: germline.
Comment: This sequence change replaces glutamic acid, which is acidic and polar, with aspartic acid, which is acidic and polar, at codon 106 of the TH protein (p.Glu106Asp). This variant is not present in population databases (gnomAD no frequency). This variant has not been reported in the literature in individuals affected with TH-related conditions. Advanced modeling of protein sequence and biophysical properties (such as structural, functional, and spatial information, amino acid conservation, physicochemical variation, residue mobility, and thermodynamic stability) performed at Invitae indicates that this missense variant is not expected to disrupt TH protein function. In summary, the available evidence is currently insufficient to determine the role of this variant in disease. Therefore, it has been classified as a Variant of Uncertain Significance.

NM_000360.4(TH):c.225G>T (p.Glu75Asp)

Gene: TH (tyrosine hydroxylase; minus strand). Cytogenetic location: 11p15.5.
Variant type: single nucleotide variant.
Coding change: c.225G>T on transcript NM_000360.4 (MANE Select); coding-DNA position 225, G replaced by T.
Protein change: p.Glu75Asp; replaces glutamic acid 75 with aspartic acid.
Molecular consequence: missense variant.
Genome position (GRCh38, 1-based): chr11:2,169,737, C>A on the plus strand (G>T on the coding strand, the complement: TH is on the minus strand). VCF-style: chr11-2169737-C-A. GRCh37 (hg19) VCF-style: chr11-2190967-C-A.
Other names: c.318G>T, p.Glu106Asp (NM_199292.3); c.306G>T, p.Glu102Asp (NM_199293.3); short protein forms E102D, E106D, E75D.
Identifiers: ClinVar variation 2183247 (VCV002183247.1), dbSNP rs558597025, ClinGen allele CA379112287.